The following is an entry in ClinVar:

NM_003476.5(CSRP3):c.233G>T (p.Gly78Val)

Gene: CSRP3 (cysteine and glycine rich protein 3; minus strand). Cytogenetic location: 11p15.1.
Variant type: single nucleotide variant.
Coding change: c.233G>T on transcript NM_003476.5 (MANE Select); coding-DNA position 233, G replaced by T.
Protein change: p.Gly78Val; replaces glycine 78 with valine.
Molecular consequence: missense variant. On other transcripts: intron variant (1).
Genome position (GRCh38, 1-based): chr11:19,188,184, C>A on the plus strand (G>T on the coding strand, the complement: CSRP3 is on the minus strand). VCF-style: chr11-19188184-C-A. GRCh37 (hg19) VCF-style: chr11-19209731-C-A.
Other names: c.233G>T (LRG_440t1); c.113-1836G>T (NM_001369404.1); short protein forms G78V.
Identifiers: ClinVar variation 518500 (VCV000518500.9), dbSNP rs963128995, ClinGen allele CA218633571.
Genomic context (GRCh38, chr11:19,188,184, plus strand): 5'-GCAGTAACTCACTGTTGGAACTGCAGGCCGAGATGCTCGCCCGTGTCTGTGCTGAGACAG[C>A]CAGCGCCTTGTCCATACCCGATCCCTTTGGGGCCATATCTGCGCCCATAGCACACCTTGC-3'
Protein context (NP_003467.1, residues 68-88): PKGIGYGQGA[Gly78Val]CLSTDTGEHL

ClinVar aggregate classification (germline): Uncertain significance. Review status: criteria provided, multiple submitters, no conflicts (2 of 4 stars). 3 submissions from 3 submitters: Uncertain significance (2). 1 of the submissions does not count toward it. Last evaluated 2023-11-28.

Conditions:
Cardiovascular phenotype. Identifiers: MedGen CN230736.
Hypertrophic cardiomyopathy 12. Identifiers: MedGen C2677491, MONDO:0012804, OMIM 612124.
Dilated cardiomyopathy 1M (CMD1M). Identifiers: Orphanet 154, MedGen C1843808, MONDO:0011840, OMIM 607482.
Primary dilated cardiomyopathy (DCM). Also called: Dilated Cardiomyopathy. Identifiers: Orphanet 217604, MedGen C0007193, MeSH D002311, MONDO:0005021, HP:0001644. Inheritance: Various modes of inheritance.

gnomAD v4.1: 1 of 1,614,060 alleles (0.000062%); no homozygotes.

Submissions (3):

Labcorp Genetics (formerly Invitae), Labcorp
Classification: Uncertain significance for Hypertrophic cardiomyopathy 12; Dilated cardiomyopathy 1M. Last evaluated: 2023-11-28. Review status: criteria provided, single submitter. Criteria: Invitae Variant Classification Sherloc (09022015). Collection method: clinical testing. Allele origin: germline.
Comment: This sequence change replaces glycine, which is neutral and non-polar, with valine, which is neutral and non-polar, at codon 78 of the CSRP3 protein (p.Gly78Val). This variant is not present in population databases (gnomAD no frequency). This variant has not been reported in the literature in individuals affected with CSRP3-related conditions. ClinVar contains an entry for this variant (Variation ID: 518500). An algorithm developed to predict the effect of missense changes on protein structure and function (PolyPhen-2) suggests that this variant is likely to be disruptive. In summary, the available evidence is currently insufficient to determine the role of this variant in disease. Therefore, it has been classified as a Variant of Uncertain Significance.

Ambry Genetics
Classification: Uncertain significance for Cardiovascular phenotype. Last evaluated: 2016-01-06. Review status: criteria provided, single submitter. Criteria: Ambry Variant Classification Scheme 2023. Collection method: clinical testing. Allele origin: germline.
Comment: The p.G78V variant (also known as c.233G>T), located in coding exon 2 of the CSRP3 gene, results from a G to T substitution at nucleotide position 233. The glycine at codon 78 is replaced by valine, an amino acid with dissimilar properties. This variant was not reported in population based cohorts in the following databases: Database of Single Nucleotide Polymorphisms (dbSNP), NHLBI Exome Sequencing Project (ESP), and 1000 Genomes Project. In the ESP, this variant was not observed in 6492 samples (12984 alleles) with coverage at this position. This amino acid position is highly conserved in available vertebrate species. In addition, this alteration is predicted to be deleterious by in silico analysis. Since supporting evidence is limited at this time, the clinical significance of this variant remains unclear.

Cytogenetics- Mohapatra Lab, Banaras Hindu University
Classification: Pathogenic for Dilated cardiomyopathy. Last evaluated: 2014-09-22. Review status: no assertion criteria provided. Collection method: case-control. Allele origin: unknown. Affected: yes. Observed: 1 variant allele. Not counted in ClinVar's aggregate classification.